The following is an entry in ClinVar:

ClinVar aggregate classification (germline): Likely pathogenic (1 of 4 stars; one submission).

Conditions:
Dilated cardiomyopathy 1G (CMD1G). Identifiers: Orphanet 154, MedGen C1858763, MONDO:0011400, OMIM 604145.
Autosomal recessive limb-girdle muscular dystrophy type 2J (LGMDR10). Also called: Limb-girdle muscular dystrophy, type 2J; MUSCULAR DYSTROPHY, LIMB-GIRDLE, AUTOSOMAL RECESSIVE 10. Identifiers: Orphanet 140922, MedGen C1837342, MONDO:0012127, OMIM 608807.

Submission:

Labcorp Genetics (formerly Invitae), Labcorp
Classification: Likely pathogenic for Dilated cardiomyopathy 1G; Autosomal recessive limb-girdle muscular dystrophy type 2J. Last evaluated: 2024-11-06. Review status: criteria provided, single submitter. Criteria: Invitae Variant Classification Sherloc (09022015). Collection method: clinical testing. Allele origin: germline.
Comment: This sequence change creates a premature translational stop signal (p.Cys30019Valfs*7) in the TTN gene. While this is not anticipated to result in nonsense mediated decay, it is expected to create a truncated TTN protein. This variant is not present in population databases (gnomAD no frequency). This premature translational stop signal has been observed in individual(s) with dilated cardiomyopathy (internal data). This variant is located in the A band of TTN (PMID: 25589632). Truncating variants in this region are significantly overrepresented in patients affected with dilated cardiomyopathy (PMID: 25589632). Truncating variants in this region have also been reported in individuals affected with autosomal recessive centronuclear myopathy (PMID: 23975875). In summary, the currently available evidence indicates that the variant is pathogenic, but additional data are needed to prove that conclusively. Therefore, this variant has been classified as Likely Pathogenic.

Literature cited by the submitters: PubMed 25589632; PubMed 23975875.

NM_001267550.2(TTN):c.90054del (p.Cys30019fs)

Genes: TTN (titin; minus strand), TTN-AS1 (TTN antisense RNA 1; plus strand). Cytogenetic location: 2q31.2.
Variant type: Deletion.
Coding change: c.90054del on transcript NM_001267550.2 (MANE Select); coding-DNA position 90054, one base deleted (C; older notation c.90054delC).
Protein change: p.Cys30019fs; shifts the reading frame from cysteine 30019.
Molecular consequence: frameshift variant.
Genome position (GRCh38, 1-based): chr2:178,552,846, G deleted on the plus strand (C on the coding strand, the reverse complement: TTN is on the minus strand); the first of 3 consecutive G bases (chr2:178,552,846-178,552,848); deleting any one gives the same sequence. VCF-style (leftmost placement, unchanged base first): chr2-178552845-AG-A. GRCh37 (hg19) VCF-style: chr2-179417572-AG-A.
Other names: c.85131del, p.Cys28378fs (NM_001256850.1); c.62859del, p.Cys20954fs (NM_003319.4); c.82350del, p.Cys27451fs (NM_133378.4); c.63234del, p.Cys21079fs (NM_133432.3); c.63435del, p.Cys21146fs (NM_133437.4); short protein forms C20954fs, C21079fs, C21146fs, C27451fs, C28378fs, C30019fs.
Identifiers: ClinVar variation 3759719 (VCV003759719.2).